The following is an entry in ClinVar:

ClinVar aggregate classification (germline): Likely pathogenic (1 of 4 stars; one submission).

Submission:

GeneDx
Classification: Likely pathogenic. Last evaluated: 2014-04-03. Review status: criteria provided, single submitter. Criteria: GeneDx Variant Classification (06012015). Collection method: clinical testing. Allele origin: germline. Affected: yes.
Comment: p.Tyr365His (TAT>CAT): c.1093 T>C in exon 8 of the ALAS2 gene (NM_000032.4). The Y365H variant that is likely pathogenic was identified in the ALAS2 gene. It has not been published as a mutation, nor has it been reported as a benign polymorphism to our knowledge. The Y365H variant was not observed in approximately 6500 individuals of European and African American ancestry in the NHLBI Exome Sequencing Project, indicating it is not a common benign variant in these populations. The Y365H variant is a non-conservative amino acid substitution, which is likely to impact secondary protein structure as these residues differ in polarity, charge, size and/or other properties. This substitution occurs at a position that is highly conserved across species. In silico analysis predicts this variant is probably damaging to the protein structure/function. Missense mutations in nearby residues (G351R, R375C) have been reported in association with sideroblastic anemia, supporting the functional importance of this region of the protein. Therefore, this variant is a strong candidate for a pathogenic mutation, however the possibility that it is a benign variant cannot be excluded. The variant is found in MITONUC-MITOP panel(s).

NM_000032.5(ALAS2):c.1093T>C (p.Tyr365His)

Gene: ALAS2 (5'-aminolevulinate synthase 2; minus strand). Cytogenetic location: Xp11.21.
Variant type: single nucleotide variant.
Coding change: c.1093T>C on transcript NM_000032.5 (MANE Select); coding-DNA position 1093, T replaced by C.
Protein change: p.Tyr365His; replaces tyrosine 365 with histidine.
Molecular consequence: missense variant.
Genome position (GRCh38, 1-based): chrX:55,015,653, A>G on the plus strand (T>C on the coding strand, the complement: ALAS2 is on the minus strand). VCF-style: chrX-55015653-A-G. GRCh37 (hg19) VCF-style: chrX-55042086-A-G.
Other names: p.Y365H:TAT>CAT; c.1093T>C, p.Tyr365His (LRG_1163t1); c.982T>C, p.Tyr328His (NM_001037967.4); c.1054T>C, p.Tyr352His (NM_001037968.4); short protein forms Y365H, Y352H, Y328H.
Identifiers: ClinVar variation 214096 (VCV000214096.2), dbSNP rs863223902, ClinGen allele CA324902.